The following is an entry in ClinVar:

ClinVar aggregate classification (germline): Uncertain significance. Review status: criteria provided, multiple submitters, no conflicts (2 of 4 stars). 4 submissions from 4 submitters: Uncertain significance (4). Last evaluated 2026-04-28.

Conditions:
SLC12A2-related disorder. Also called: SLC12A2-related condition; SLC12A2-related disorders.
Inborn genetic diseases. Identifiers: MedGen C0950123, MeSH D030342.

Allele frequency attached by ClinVar (database versions not stated): ExAC 0.00002.
gnomAD v4.1: 18 of 1,607,952 alleles (0.0011%); highest among the groups gnomAD compares: Admixed American, 0.0086%; no homozygotes.

Submissions (4):

PreventionGenetics, part of Exact Sciences
Classification: Uncertain significance for SLC12A2-related condition. Last evaluated: 2026-04-28. Review status: criteria provided, single submitter. Criteria: ACMG Guidelines, 2015. Collection method: clinical testing. Allele origin: germline.
Comment: The SLC12A2 c.1421A>T variant is predicted to result in the amino acid substitution p.Asn474Ile. To our knowledge, this variant has not been reported in the literature. This variant is reported in 0.012% of alleles in individuals of Latino descent in gnomAD. At this time, the clinical significance of this variant is uncertain due to the absence of conclusive functional and genetic evidence.

Labcorp Genetics (formerly Invitae), Labcorp
Classification: Uncertain significance. Last evaluated: 2025-12-08. Review status: criteria provided, single submitter. Criteria: Invitae Variant Classification Sherloc (09022015). Collection method: clinical testing. Allele origin: germline.
Comment: This sequence change replaces asparagine, which is neutral and polar, with isoleucine, which is neutral and non-polar, at codon 474 of the SLC12A2 protein (p.Asn474Ile). This variant is present in population databases (rs779415832, gnomAD 0.01%). This variant has not been reported in the literature in individuals affected with SLC12A2-related conditions. ClinVar contains an entry for this variant (Variation ID: 2182175). Invitae Evidence Modeling of protein sequence and biophysical properties (such as structural, functional, and spatial information, amino acid conservation, physicochemical variation, residue mobility, and thermodynamic stability) indicates that this missense variant is not expected to disrupt SLC12A2 protein function with a negative predictive value of 80%. In summary, the available evidence is currently insufficient to determine the role of this variant in disease. Therefore, it has been classified as a Variant of Uncertain Significance.

Ambry Genetics
Classification: Uncertain significance for Inborn genetic diseases. Last evaluated: 2025-06-03. Review status: criteria provided, single submitter. Criteria: Ambry Variant Classification Scheme 2023. Collection method: clinical testing. Allele origin: germline.

GeneDx
Classification: Uncertain significance. Last evaluated: 2024-12-11. Review status: criteria provided, single submitter. Criteria: GeneDx Variant Classification Process June 2021. Collection method: clinical testing. Allele origin: germline. Affected: yes.
Comment: In silico analysis indicates that this missense variant does not alter protein structure/function; Has not been previously published as pathogenic or benign to our knowledge

NM_001046.3(SLC12A2):c.1421A>T (p.Asn474Ile)

Gene: SLC12A2 (solute carrier family 12 member 2; plus strand). Cytogenetic location: 5q23.3.
Variant type: single nucleotide variant.
Coding change: c.1421A>T on transcript NM_001046.3 (MANE Select); coding-DNA position 1421, A replaced by T.
Protein change: p.Asn474Ile; replaces asparagine 474 with isoleucine.
Molecular consequence: missense variant. On other transcripts: non-coding transcript variant (1).
Genome position (GRCh38, 1-based): chr5:128,138,609, A>T. VCF-style: chr5-128138609-A-T. GRCh37 (hg19) VCF-style: chr5-127474301-A-T.
Other names: c.1421A>T, p.Asn474Ile (NM_001256461.2); c.1421A>T (NM_001046.2); short protein forms N474I.
Identifiers: ClinVar variation 2182175 (VCV002182175.7), dbSNP rs779415832, ClinGen allele CA3393121.